The following is an entry in ClinVar:

NM_024422.6(DSC2):c.2509-140_2509-139dup

Gene: DSC2 (desmocollin 2; minus strand). Cytogenetic location: 18q12.1.
Variant type: Duplication.
Coding change: c.2509-140_2509-139dup on transcript NM_024422.6 (MANE Select); 140 bases into the intron before coding-DNA position 2509 through 139 bases into the intron before coding-DNA position 2509, 2 bases duplicated (AT; older notation c.2509-140_2509-139dupAT).
Molecular consequence: intron variant.
Genome position (GRCh38, 1-based): chr18:31,068,351-31,068,352, AT duplicated on the plus strand (AT on the coding strand, the reverse complement: DSC2 is on the minus strand); duplicating any 2 consecutive bases within chr18:31,068,351-31,068,353 gives the same sequence; the c. name uses the placement nearest the transcript's 3' end. VCF-style (leftmost placement, unchanged base first): chr18-31068350-C-CAT. GRCh37 (hg19) VCF-style: chr18-28648316-C-CAT.
Other names: c.2509-8_2509-7dup (NM_004949.5).
Identifiers: ClinVar variation 1196217 (VCV001196217.5), dbSNP rs749124606, ClinGen allele CA8924774.

ClinVar aggregate classification (germline): Likely benign (1 of 4 stars; one submission).

Submission:

GeneDx
Classification: Likely benign. Last evaluated: 2022-06-08. Review status: criteria provided, single submitter. Criteria: GeneDx Variant Classification Process June 2021. Collection method: clinical testing. Allele origin: germline. Affected: yes.
Comment: See Variant Classification Assertion Criteria.